The following is an entry in ClinVar:

ClinVar aggregate classification (germline): Uncertain significance. Review status: criteria provided, multiple submitters, no conflicts (2 of 4 stars). 5 submissions from 5 submitters: Uncertain significance (5). Last evaluated 2025-05-29.

Conditions:
Hereditary cancer-predisposing syndrome. Also called: Hereditary neoplastic syndrome; Tumor predisposition; Neoplastic Syndromes, Hereditary; Hereditary Cancer Syndrome. Identifiers: Orphanet 140162, MedGen C0027672, MeSH D009386, MONDO:0015356.
Familial cancer of breast. Also called: Hereditary breast cancer; BREAST CANCER, FAMILIAL; hereditary breast carcinoma. Identifiers: Orphanet 227535, MedGen C0346153, MONDO:0016419, OMIM 114480. Disease mechanism: loss of function.

Allele frequency attached by ClinVar (database versions not stated): gnomAD exomes below 0.00001; TOPMed below 0.00001; gnomAD 0.00001.
gnomAD v4.1: 2 of 1,556,108 alleles (0.00013%); highest among the groups gnomAD compares: Non-Finnish European, 0.00018%; no homozygotes.

Submissions (5):

Institute for Biomarker Research, Medical Diagnostic Laboratories, L.L.C.
Classification: Uncertain significance for Hereditary cancer-predisposing syndrome. Last evaluated: 2025-05-29. Review status: criteria provided, single submitter. Criteria: ACMG Guidelines, 2015. Collection method: clinical testing. Allele origin: germline.
Comment: The missense variant NM_001005735.2(CHEK2):c.922G>C (p.Asp308His) has not been reported previously as a pathogenic variant nor as a benign variant, to our knowledge. The p.Asp308His variant is novel (not in any individuals) in gnomAD. The p.Asp308His variant is novel (not in any individuals) in 1kG. There is a moderate physicochemical difference between aspartic acid and histidine. For these reasons, this variant has been classified as Uncertain Significance.

Labcorp Genetics (formerly Invitae), Labcorp
Classification: Uncertain significance for Familial cancer of breast. Last evaluated: 2022-08-29. Review status: criteria provided, single submitter. Criteria: Invitae Variant Classification Sherloc (09022015). Collection method: clinical testing. Allele origin: germline.
Comment: Studies have shown that this missense change is associated with altered splicing resulting in unknown protein product impact (Invitae). In summary, the available evidence is currently insufficient to determine the role of this variant in disease. Therefore, it has been classified as a Variant of Uncertain Significance. Algorithms developed to predict the effect of missense changes on protein structure and function are either unavailable or do not agree on the potential impact of this missense change (SIFT: "Deleterious"; PolyPhen-2: "Probably Damaging"; Align-GVGD: "Class C0"). This variant has not been reported in the literature in individuals affected with CHEK2-related conditions. This variant is not present in population databases (gnomAD no frequency). This sequence change replaces aspartic acid, which is acidic and polar, with histidine, which is basic and polar, at codon 265 of the CHEK2 protein (p.Asp265His). ClinVar contains an entry for this variant (Variation ID: 419164).

Color Diagnostics, LLC DBA Color Health
Classification: Uncertain significance for Hereditary cancer-predisposing syndrome. Last evaluated: 2020-10-07. Review status: criteria provided, single submitter. Criteria: ACMG Guidelines, 2015. Collection method: clinical testing. Allele origin: germline.
Comment: This missense variant replaces aspartic acid with histidine at codon 265 of the CHEK2 protein. Computational prediction suggests that this variant may not impact protein structure and function (internally defined REVEL score threshold <= 0.5, PMID: 27666373). To our knowledge, functional studies have not been reported for this variant. This variant has not been reported in individuals affected with hereditary cancer in the literature. This variant has not been identified in the general population by the Genome Aggregation Database (gnomAD). The available evidence is insufficient to determine the role of this variant in disease conclusively. Therefore, this variant is classified as a Variant of Uncertain Significance.

Ambry Genetics
Classification: Uncertain significance for Hereditary cancer-predisposing syndrome. Last evaluated: 2018-04-30. Review status: criteria provided, single submitter. Criteria: Ambry Variant Classification Scheme 2023. Collection method: clinical testing. Allele origin: germline.
Comment: The p.D265H variant (also known as c.793G>C) is located in coding exon 6 of the CHEK2 gene. The aspartic acid at codon 265 is replaced by histidine, an amino acid with similar properties. This change occurs in the first base pair of coding exon 6. This amino acid position is highly conserved in available vertebrate species. In addition, the in silico prediction for this alteration is inconclusive. Since supporting evidence is limited at this time, the clinical significance of this alteration remains unclear.

GeneDx
Classification: Uncertain significance. Last evaluated: 2015-06-02. Review status: criteria provided, single submitter. Criteria: GeneDx Variant Classification (06012015). Collection method: clinical testing. Allele origin: germline. Affected: yes.
Comment: This variant is denoted CHEK2 c.793G>C at the cDNA level, p.Asp265His (D265H) at the protein level, and results in the change of an Aspartic Acid to a Histidine (GAC>CAC). This variant has not, to our knowledge, been published in the literature as pathogenic or benign. CHEK2 Asp265His was not observed in approximately 6,500 individuals of European and African American ancestry in the NHLBI Exome Sequencing Project, indicating it is not a common benign variant in these populations. Since Aspartic Acid and Histidine differ in polarity, charge, size or other properties, this is considered a non-conservative amino acid substitution. CHEK2 Asp265His occurs at a position that is conserved across species and is located in the protein kinase domain (Roeb 2012). While protein-based in silico analyses are inconsistent regarding the effect this variant may have on protein structure and function, multiple splicing models predict that this variant may damage the natural splice acceptor site for intron 6 and lead to abnormal splicing. However, in the absence of RNA or functional studies, the actual effect of this variant is unknown. Based on currently available information, it is unclear whether CHEK2 Asp265His is pathogenic or benign. We consider it to be a variant of uncertain significance.

NM_007194.4(CHEK2):c.793G>C (p.Asp265His)

Gene: CHEK2 (checkpoint kinase 2; minus strand). Cytogenetic location: 22q12.1.
Variant type: single nucleotide variant.
Coding change: c.793G>C on transcript NM_007194.4 (MANE Select); coding-DNA position 793, G replaced by C.
Protein change: p.Asp265His; replaces aspartic acid 265 with histidine.
Molecular consequence: missense variant.
Genome position (GRCh38, 1-based): chr22:28,710,059, C>G on the plus strand (G>C on the coding strand, the complement: CHEK2 is on the minus strand). VCF-style: chr22-28710059-C-G. GRCh37 (hg19) VCF-style: chr22-29106047-C-G.
Other names: c.922G>C, p.Asp308His (NM_001005735.3); c.130G>C, p.Asp44His (NM_001257387.3); c.592G>C, p.Asp198His (NM_001349956.3); c.793G>C, p.Asp265His (NM_145862.3); short protein forms D265H, D44H, D198H, D308H.
Identifiers: ClinVar variation 419164 (VCV000419164.20), dbSNP rs1064793689, ClinGen allele CA16621070.
Genomic context (GRCh38, chr22:28,710,059, plus strand): 5'-TACTTACATGATTTAGCTTTTTCAAAATTTCTATTTCTGTTTCAACATTGAGAGCTGGGT[C>G]CTTTGATAAACAGAATAACAGAGTTTATTAGTAATAATAATTGCCAATATTTAAAAAAAC-3'
Protein context (NP_009125.1, residues 255-275): KFAIGSAREA[Asp265His]PALNVETEIE